The following is an entry in ClinVar:

CYP2D6*17

Gene: CYP2D6 (cytochrome P450 family 2 subfamily D member 6 (gene/pseudogene); minus strand). Cytogenetic location: 22q13.2.
Variant type: single nucleotide variant.
Molecular consequence: missense variant (on NM_000106.6).
Genome position: GRCh38 VCF-style: chr22-42129770-G-A. GRCh37 (hg19) VCF-style: chr22-42525772-G-A.
Other names: NM_000106.5(CYP2D6):c.320C>T (p.Thr107Ile); 1023C>T; c.320C>T, p.Thr107Ile (NM_000106.6, NM_001025161.3); short protein forms T107I.
Identifiers: ClinVar variation 39379 (VCV000039379.9), dbSNP rs28371706, ClinGen allele CA10265250.
Genomic context (GRCh38, chr22:42,129,770, plus strand): 5'-ATCTGTCTCTGTCCCCACCGCTGCTTGCCTTGGGAACGCGGCCCGAAACCCAGGATCTGG[G>A]TGATGGGCACAGGCGGGCGGTCGGCGGTGTCCTCGCCGTGGGTCACCAGCGCCTCGCGCA-3'

ClinVar aggregate classification (germline): Likely benign; other. Review status: criteria provided, multiple submitters, no conflicts (2 of 4 stars). 3 submissions from 3 submitters: Likely benign (2). Last evaluated 2018-08-06.

Allele frequency attached by ClinVar (database versions not stated): 1000 Genomes Project 0.05911; 1000 Genomes Project 30x 0.06293; TOPMed 0.05827; ESP Exome Variant Server 0.05849.

Submissions (3):

Eurofins Ntd Llc (ga)
Classification: other. Last evaluated: 2018-08-06. Review status: criteria provided, single submitter. Criteria: EGL ClinVar v180209 classification definitions. Collection method: clinical testing. Allele origin: germline.

GeneDx
Classification: Likely benign. Last evaluated: 2018-04-12. Review status: criteria provided, single submitter. Criteria: GeneDx Variant Classification (06012015). Collection method: clinical testing. Allele origin: germline. Affected: yes.
Comment: This variant is considered likely benign or benign based on one or more of the following criteria: it is a conservative change, it occurs at a poorly conserved position in the protein, it is predicted to be benign by multiple in silico algorithms, and/or has population frequency not consistent with disease.

Breakthrough Genomics
Classification: Likely benign. Review status: criteria provided, single submitter. Criteria: ACMG Guidelines, 2015. Collection method: not provided. Allele origin: germline. Inheritance: Autosomal recessive inheritance. Affected: yes.